The following is an entry in ClinVar:

ClinVar aggregate classification (germline): Uncertain significance (1 of 4 stars; one submission).

Conditions:
Cardiovascular phenotype. Identifiers: MedGen CN230736.

Submission:

Ambry Genetics
Classification: Uncertain significance for Cardiovascular phenotype. Last evaluated: 2025-12-04. Review status: criteria provided, single submitter. Criteria: Ambry Variant Classification Scheme 2023. Collection method: clinical testing. Allele origin: germline.
Comment: The p.E56D variant (also known as c.168G>C), located in coding exon 2 of the COL1A1 gene, results from a G to C substitution at nucleotide position 168. The glutamic acid at codon 56 is replaced by aspartic acid, an amino acid with highly similar properties. This amino acid position is conserved. In addition, this alteration is predicted to be tolerated by in silico analysis. Based on the available evidence, the clinical significance of this variant remains unclear.

NM_000088.4(COL1A1):c.168G>C (p.Glu56Asp)

Gene: COL1A1 (collagen type I alpha 1 chain; minus strand). Cytogenetic location: 17q21.33.
Variant type: single nucleotide variant.
Coding change: c.168G>C on transcript NM_000088.4 (MANE Select); coding-DNA position 168, G replaced by C.
Protein change: p.Glu56Asp; replaces glutamic acid 56 with aspartic acid.
Molecular consequence: missense variant.
Genome position (GRCh38, 1-based): chr17:50,199,883, C>G on the plus strand (G>C on the coding strand, the complement: COL1A1 is on the minus strand). VCF-style: chr17-50199883-C-G. GRCh37 (hg19) VCF-style: chr17-48277244-C-G.
Other names: short protein forms E56D.
Identifiers: ClinVar variation 4613911 (VCV004613911.1).
Genomic context (GRCh38, chr17:50,199,883, plus strand): 5'-GTCACAGATCACGTCATCGCACAACACCTTGCCGTTGTCGCAGACGCAGATCCGGCAGGG[C>G]TCGGGTTTCCACACGTCTCGGTCATGGTACCTGAGGCCGTTCTGTACGCAGGTGATTGGT-3'
Protein context (NP_000079.2, residues 46-66): RYHDRDVWKP[Glu56Asp]PCRICVCDNG